The following is an entry in ClinVar:

ClinVar aggregate classification (germline): Uncertain significance (1 of 4 stars; one submission).

Allele frequency attached by ClinVar (database versions not stated): ExAC 0.00001.

Submission:

Labcorp Genetics (formerly Invitae), Labcorp
Classification: Uncertain significance. Last evaluated: 2022-04-04. Review status: criteria provided, single submitter. Criteria: Invitae Variant Classification Sherloc (09022015). Collection method: clinical testing. Allele origin: germline.
Comment: In summary, the available evidence is currently insufficient to determine the role of this variant in disease. Therefore, it has been classified as a Variant of Uncertain Significance. Algorithms developed to predict the effect of missense changes on protein structure and function are either unavailable or do not agree on the potential impact of this missense change (SIFT: "Tolerated"; PolyPhen-2: "Probably Damaging"; Align-GVGD: "Class C0"). This variant has not been reported in the literature in individuals affected with PCSK1-related conditions. This variant is present in population databases (rs748375886, gnomAD 0.0009%). This sequence change replaces tyrosine, which is neutral and polar, with histidine, which is basic and polar, at codon 290 of the PCSK1 protein (p.Tyr290His).

NM_000439.5(PCSK1):c.868T>C (p.Tyr290His)

Genes: CAST (calpastatin; plus strand), PCSK1 (proprotein convertase subtilisin/kexin type 1; minus strand), LOC101929710 (uncharacterized LOC101929710; plus strand). Cytogenetic location: 5q15.
Variant type: single nucleotide variant.
Coding change: c.868T>C on transcript NM_000439.5 (MANE Select); coding-DNA position 868, T replaced by C.
Protein change: p.Tyr290His; replaces tyrosine 290 with histidine.
Molecular consequence: missense variant.
Genome position (GRCh38, 1-based): chr5:96,412,332, A>G on the plus strand (T>C on the coding strand, the complement: PCSK1 is on the minus strand). VCF-style: chr5-96412332-A-G. GRCh37 (hg19) VCF-style: chr5-95748036-A-G.
Other names: c.727T>C, p.Tyr243His (NM_001177875.2); short protein forms Y243H, Y290H.
Identifiers: ClinVar variation 1917365 (VCV001917365.5), dbSNP rs748375886, ClinGen allele CA3350365.